The following is an entry in ClinVar:

ClinVar aggregate classification (germline): Uncertain significance (1 of 4 stars; one submission).

Submission:

Mayo Clinic Laboratories, Mayo Clinic
Classification: Uncertain significance. Last evaluated: 2024-03-19. Review status: criteria provided, single submitter. Criteria: ACMG Guidelines, 2015. Collection method: clinical testing. Allele origin: germline. Observed: 2 variant alleles.
Comment: BP4, PM2

Literature cited by the submitters: PubMed 22508176; PubMed 23431072.

NM_001009944.3(PKD1):c.1578C>G (p.His526Gln)

Gene: PKD1 (polycystin 1, transient receptor potential channel interacting; minus strand). Cytogenetic location: 16p13.3.
Variant type: single nucleotide variant.
Coding change: c.1578C>G on transcript NM_001009944.3 (MANE Select); coding-DNA position 1578, C replaced by G.
Protein change: p.His526Gln; replaces histidine 526 with glutamine.
Molecular consequence: missense variant.
Genome position (GRCh38, 1-based): chr16:2,116,861, G>C on the plus strand (C>G on the coding strand, the complement: PKD1 is on the minus strand). VCF-style: chr16-2116861-G-C. GRCh37 (hg19) VCF-style: chr16-2166862-G-C.
Other names: p.His526Gln; c.1578C>G, p.His526Gln (NM_000296.4); short protein forms H526Q.
Identifiers: ClinVar variation 3380359 (VCV003380359.1).
Genomic context (GRCh38, chr16:2,116,861, plus strand): 5'-CGTCTCAGGCCCCTGCCTGGCCCCCCGCACACCTCCGGGCTGCAGCTCGCAGACGTAGCT[G>C]TGCGGCGCTGAGCACAGGTCGGTGTTACACCACCCGGTGGGCCCGAGCCGGACGCAGTGC-3'
Protein context (NP_001009944.3, residues 516-536): WCNTDLCSAP[His526Gln]SYVCELQPGG